The following is an entry in ClinVar:

ClinVar aggregate classification (germline): Uncertain significance. Review status: criteria provided, multiple submitters, no conflicts (2 of 4 stars). 2 submissions from 2 submitters: Uncertain significance (2). Last evaluated 2025-06-18.

Conditions:
Inborn genetic diseases. Identifiers: MedGen C0950123, MeSH D030342.

Allele frequency attached by ClinVar (database versions not stated): gnomAD 0.00001; gnomAD exomes 0.00001; TOPMed 0.00002; ExAC 0.00003.
gnomAD v4.1: 12 of 1,609,280 alleles (0.00075%); highest among the groups gnomAD compares: Middle Eastern, 0.016%; no homozygotes.

Submissions (2):

Ambry Genetics
Classification: Uncertain significance for Inborn genetic diseases. Last evaluated: 2025-06-18. Review status: criteria provided, single submitter. Criteria: Ambry Variant Classification Scheme 2023. Collection method: clinical testing. Allele origin: germline.

Labcorp Genetics (formerly Invitae), Labcorp
Classification: Uncertain significance. Last evaluated: 2024-08-30. Review status: criteria provided, single submitter. Criteria: Invitae Variant Classification Sherloc (09022015). Collection method: clinical testing. Allele origin: germline.
Comment: This sequence change replaces glycine, which is neutral and non-polar, with serine, which is neutral and polar, at codon 760 of the POLR1A protein (p.Gly760Ser). This variant is present in population databases (rs758254481, gnomAD 0.01%). This variant has not been reported in the literature in individuals affected with POLR1A-related conditions. ClinVar contains an entry for this variant (Variation ID: 1931078). Invitae Evidence Modeling of protein sequence and biophysical properties (such as structural, functional, and spatial information, amino acid conservation, physicochemical variation, residue mobility, and thermodynamic stability) indicates that this missense variant is not expected to disrupt POLR1A protein function with a negative predictive value of 80%. In summary, the available evidence is currently insufficient to determine the role of this variant in disease. Therefore, it has been classified as a Variant of Uncertain Significance.

NM_015425.6(POLR1A):c.2278G>A (p.Gly760Ser)

Gene: POLR1A (RNA polymerase I subunit A; minus strand). Cytogenetic location: 2p11.2.
Variant type: single nucleotide variant.
Coding change: c.2278G>A on transcript NM_015425.6 (MANE Select); coding-DNA position 2278, G replaced by A.
Protein change: p.Gly760Ser; replaces glycine 760 with serine.
Molecular consequence: missense variant.
Genome position (GRCh38, 1-based): chr2:86,052,931, C>T on the plus strand (G>A on the coding strand, the complement: POLR1A is on the minus strand). VCF-style: chr2-86052931-C-T. GRCh37 (hg19) VCF-style: chr2-86280054-C-T.
Other names: c.2278G>A (NM_015425.3); short protein forms G760S.
Identifiers: ClinVar variation 1931078 (VCV001931078.6), dbSNP rs758254481, ClinGen allele CA1746111.